The following is an entry in ClinVar:

NM_018026.4(PACS1):c.2399C>A (p.Pro800Gln)

Gene: PACS1 (phosphofurin acidic cluster sorting protein 1; plus strand). Cytogenetic location: 11q13.2.
Variant type: single nucleotide variant.
Coding change: c.2399C>A on transcript NM_018026.4 (MANE Select); coding-DNA position 2399, C replaced by A.
Protein change: p.Pro800Gln; replaces proline 800 with glutamine.
Molecular consequence: missense variant.
Genome position (GRCh38, 1-based): chr11:66,239,247, C>A. VCF-style: chr11-66239247-C-A. GRCh37 (hg19) VCF-style: chr11-66006718-C-A.
Other names: short protein forms P800Q.
Identifiers: ClinVar variation 4056702 (VCV004056702.1).

ClinVar aggregate classification (germline): Uncertain significance (1 of 4 stars; one submission).

Conditions:
Schuurs-Hoeijmakers syndrome. Also called: PACS1-Related Neurodevelopmental Disorder. Identifiers: Orphanet 329224, MedGen C3554343, MONDO:0014006, OMIM 615009.

gnomAD v4.1: 1 of 1,613,550 alleles (0.000062%); highest among the groups gnomAD compares: Non-Finnish European, 0.000085%; no homozygotes.

Submission:

Laboratorio de Genetica e Diagnostico Molecular, Hospital Israelita Albert Einstein
Classification: Uncertain significance for Schuurs-Hoeijmakers syndrome. Last evaluated: 2022-08-10. Review status: criteria provided, single submitter. Criteria: ACMG Guidelines, 2015. Collection method: clinical testing. Allele origin: germline. Affected: yes.
Comment: ACMG classification criteria: PM2 moderate, PP2 supporting, BP4 supporting